The following is an entry in ClinVar:

ClinVar aggregate classification (germline): Uncertain significance (1 of 4 stars; one submission).

Allele frequency attached by ClinVar (database versions not stated): gnomAD exomes below 0.00001; TOPMed below 0.00001.
gnomAD v4.1: 6 of 1,554,800 alleles (0.00039%); highest among the groups gnomAD compares: Admixed American, 0.0019%; no homozygotes.

Submission:

Labcorp Genetics (formerly Invitae), Labcorp
Classification: Uncertain significance. Last evaluated: 2023-02-13. Review status: criteria provided, single submitter. Criteria: Invitae Variant Classification Sherloc (09022015). Collection method: clinical testing. Allele origin: germline.
Comment: In summary, the available evidence is currently insufficient to determine the role of this variant in disease. Therefore, it has been classified as a Variant of Uncertain Significance. Algorithms developed to predict the effect of missense changes on protein structure and function are either unavailable or do not agree on the potential impact of this missense change (SIFT: "Deleterious"; PolyPhen-2: "Probably Damaging"; Align-GVGD: "Class C0"). This variant has not been reported in the literature in individuals affected with ATP5D-related conditions. The frequency data for this variant in the population databases is considered unreliable, as metrics indicate poor data quality at this position in the gnomAD database. This sequence change replaces threonine, which is neutral and polar, with methionine, which is neutral and non-polar, at codon 62 of the ATP5D protein (p.Thr62Met).

NM_001687.5(ATP5F1D):c.185C>T (p.Thr62Met)

Gene: ATP5F1D (ATP synthase F1 subunit delta; plus strand). Cytogenetic location: 19p13.3.
Variant type: single nucleotide variant.
Coding change: c.185C>T on transcript NM_001687.5 (MANE Select); coding-DNA position 185, C replaced by T.
Protein change: p.Thr62Met; replaces threonine 62 with methionine.
Molecular consequence: missense variant.
Genome position (GRCh38, 1-based): chr19:1,242,499, C>T. VCF-style: chr19-1242499-C-T. GRCh37 (hg19) VCF-style: chr19-1242498-C-T.
Other names: c.185C>T, p.Thr62Met (NM_001001975.2); short protein forms T62M.
Identifiers: ClinVar variation 3013161 (VCV003013161.3), dbSNP rs768431389, ClinGen allele CA9040234.